The following is an entry in ClinVar:

NM_002907.4(RECQL):c.1805C>T (p.Ser602Leu)

Genes: PYROXD1 (pyridine nucleotide-disulphide oxidoreductase domain 1; plus strand), RECQL (RecQ like helicase; minus strand). Cytogenetic location: 12p12.1.
Variant type: single nucleotide variant.
Coding change: c.1805C>T on transcript NM_002907.4 (MANE Select); coding-DNA position 1805, C replaced by T.
Protein change: p.Ser602Leu; replaces serine 602 with leucine.
Molecular consequence: missense variant. On other transcripts: 3 prime UTR variant (3).
Genome position (GRCh38, 1-based): chr12:21,470,339, G>A on the plus strand (C>T on the coding strand, the complement: RECQL is on the minus strand). VCF-style: chr12-21470339-G-A. GRCh37 (hg19) VCF-style: chr12-21623273-G-A.
Other names: c.1805C>T, p.Ser602Leu (NM_032941.3); c.*1585G>A (NM_001350912.2, NM_001350913.2, NM_024854.5); short protein forms S602L.
Identifiers: ClinVar variation 1005037 (VCV001005037.11), dbSNP rs1158542687, ClinGen allele CA384114095.

ClinVar aggregate classification (germline): Conflicting classifications of pathogenicity. Review status: criteria provided, conflicting classifications (1 of 4 stars). 5 submissions from 5 submitters: Uncertain significance (4); Likely benign (1). Last evaluated 2026-03-07.

Conditions:
RECQL-related disorder. Also called: RECQL-related condition.
RECON progeroid syndrome (RECON). Identifiers: MedGen C5830504, MONDO:0957266, OMIM 620370.

Allele frequency attached by ClinVar (database versions not stated): gnomAD 0.00005.

Submissions (5):

PreventionGenetics, part of Exact Sciences
Classification: Uncertain significance for RECQL-related condition. Last evaluated: 2026-03-07. Review status: criteria provided, single submitter. Criteria: ACMG Guidelines, 2015. Collection method: clinical testing. Allele origin: germline.
Comment: The RECQL c.1805C>T variant is predicted to result in the amino acid substitution p.Ser602Leu. To our knowledge, this variant has not been reported in the literature. This variant is reported in 0.034% of alleles in individuals of East Asian descent in gnomAD. At this time, the clinical significance of this variant is uncertain due to the absence of conclusive functional and genetic evidence.

Labcorp Genetics (formerly Invitae), Labcorp
Classification: Uncertain significance. Last evaluated: 2025-09-20. Review status: criteria provided, single submitter. Criteria: Invitae Variant Classification Sherloc (09022015). Collection method: clinical testing. Allele origin: germline.
Comment: This sequence change replaces serine, which is neutral and polar, with leucine, which is neutral and non-polar, at codon 602 of the RECQL protein (p.Ser602Leu). The frequency data for this variant in the population databases is considered unreliable, as metrics indicate poor data quality at this position in the gnomAD database. This variant has not been reported in the literature in individuals affected with RECQL-related conditions. ClinVar contains an entry for this variant (Variation ID: 1005037). An algorithm developed to predict the effect of missense changes on protein structure and function outputs the following: PolyPhen-2: "Benign". The leucine amino acid residue is found in multiple mammalian species, which suggests that this missense change does not adversely affect protein function. In summary, the available evidence is currently insufficient to determine the role of this variant in disease. Therefore, it has been classified as a Variant of Uncertain Significance.

Fulgent Genetics
Classification: Uncertain significance for RECON progeroid syndrome. Last evaluated: 2024-05-30. Review status: criteria provided, single submitter. Criteria: ACMG Guidelines, 2015. Collection method: clinical testing. Allele origin: germline.

GeneDx
Classification: Uncertain significance. Last evaluated: 2023-03-22. Review status: criteria provided, single submitter. Criteria: GeneDx Variant Classification Process June 2021. Collection method: clinical testing. Allele origin: germline. Affected: yes.
Comment: In silico analysis supports that this missense variant does not alter protein structure/function; Has not been previously published as pathogenic or benign to our knowledge; This variant is associated with the following publications: (PMID: 23396353, 27248010)

Ambry Genetics
Classification: Likely benign. Last evaluated: 2020-07-02. Review status: criteria provided, single submitter. Criteria: Ambry Variant Classification Scheme 2023. Collection method: clinical testing. Allele origin: germline.